The following is an entry in ClinVar:

ClinVar aggregate classification (germline): Uncertain significance (1 of 4 stars; one submission).

Submission:

Labcorp Genetics (formerly Invitae), Labcorp
Classification: Uncertain significance. Last evaluated: 2022-06-26. Review status: criteria provided, single submitter. Criteria: Invitae Variant Classification Sherloc (09022015). Collection method: clinical testing. Allele origin: germline.
Comment: In summary, the available evidence is currently insufficient to determine the role of this variant in disease. Therefore, it has been classified as a Variant of Uncertain Significance. Algorithms developed to predict the effect of missense changes on protein structure and function are either unavailable or do not agree on the potential impact of this missense change (SIFT: "Tolerated"; PolyPhen-2: "Probably Damaging"; Align-GVGD: "Class C0"). This variant has not been reported in the literature in individuals affected with MBTPS2-related conditions. This variant is not present in population databases (gnomAD no frequency). This sequence change replaces phenylalanine, which is neutral and non-polar, with serine, which is neutral and polar, at codon 82 of the MBTPS2 protein (p.Phe82Ser).

NM_015884.4(MBTPS2):c.245T>C (p.Phe82Ser)

Gene: MBTPS2 (membrane bound transcription factor peptidase, site 2; plus strand). Cytogenetic location: Xp22.12.
Variant type: single nucleotide variant.
Coding change: c.245T>C on transcript NM_015884.4 (MANE Select); coding-DNA position 245, T replaced by C.
Protein change: p.Phe82Ser; replaces phenylalanine 82 with serine.
Molecular consequence: missense variant.
Genome position (GRCh38, 1-based): chrX:21,845,191, T>C. VCF-style: chrX-21845191-T-C. GRCh37 (hg19) VCF-style: chrX-21863309-T-C.
Other names: short protein forms F82S.
Identifiers: ClinVar variation 2011074 (VCV002011074.4), dbSNP rs2519556337, ClinGen allele CA412561741.